The following is an entry in ClinVar:

ClinVar aggregate classification (germline): Uncertain significance (1 of 4 stars; one submission).

Submission:

GeneDx
Classification: Uncertain significance. Last evaluated: 2024-05-10. Review status: criteria provided, single submitter. Criteria: GeneDx Variant Classification Process June 2021. Collection method: clinical testing. Allele origin: germline. Affected: yes.
Comment: Not observed at significant frequency in large population cohorts (gnomAD); Has not been previously published as pathogenic or benign to our knowledge; In silico analysis is inconclusive as to whether the variant alters gene splicing. In the absence of RNA/functional studies, the actual effect of this sequence change is unknown.

NM_006947.4(SRP72):c.1160-15_1160-12del

Gene: SRP72 (signal recognition particle 72; plus strand). Cytogenetic location: 4q12.
Variant type: Deletion.
Coding change: c.1160-15_1160-12del on transcript NM_006947.4 (MANE Select); 15 bases into the intron before coding-DNA position 1160 through 12 bases into the intron before coding-DNA position 1160, 4 bases deleted (GTTT; older notation c.1160-15_1160-12delGTTT).
Molecular consequence: intron variant.
Genome position (GRCh38, 1-based): chr4:56,487,934-56,487,937, GTTT deleted; deleting any 4 consecutive bases within chr4:56,487,931-56,487,937 gives the same sequence; the c. name uses the placement nearest the transcript's 3' end. VCF-style (leftmost placement, unchanged base first): chr4-56487930-TTTTG-T. GRCh37 (hg19) VCF-style: chr4-57354096-TTTTG-T.
Other names: c.977-15_977-12del (NM_001267722.2).
Identifiers: ClinVar variation 1314098 (VCV001314098.3), dbSNP rs1296916909, ClinGen allele CA551768373.